The following is an entry in ClinVar:

NM_001007544.4(RHEX):c.324A>G (p.Thr108=)

Gene: RHEX (regulator of hemoglobinization and erythroid cell expansion; plus strand). Cytogenetic location: 1q32.1.
Variant type: single nucleotide variant.
Coding change: c.324A>G on transcript NM_001007544.4 (MANE Select); coding-DNA position 324, A replaced by G.
Protein change: p.Thr108=; no amino-acid change (threonine 108 retained).
Molecular consequence: synonymous variant.
Genome position (GRCh38, 1-based): chr1:206,101,757, A>G. VCF-style: chr1-206101757-A-G. GRCh37 (hg19) VCF-style: chr1-206239574-T-C.
Other names: c.324A>G, p.Thr108= (NM_001369490.1).
Identifiers: ClinVar variation 3061012 (VCV003061012.2), dbSNP rs28391411, ClinGen allele CA1359598.

ClinVar aggregate classification (germline): Benign (0 of 4 stars; one submission).

Conditions:
RHEX-related disorder. Also called: RHEX-related condition.

Allele frequency attached by ClinVar (database versions not stated): gnomAD 0.18334; ESP Exome Variant Server 0.19084; TOPMed 0.19366; 1000 Genomes Project 0.19968; 1000 Genomes Project 30x 0.20331.
gnomAD v4.1: 178,970 of 1,610,856 alleles (11%); highest among the groups gnomAD compares: African/African-American, 41%; 14,379 homozygotes.

Submission:

PreventionGenetics, part of Exact Sciences
Classification: Benign for RHEX-related condition. Last evaluated: 2019-11-25. Review status: no assertion criteria provided. Collection method: clinical testing. Allele origin: germline.
Comment: This variant is classified as benign based on ACMG/AMP sequence variant interpretation guidelines (Richards et al. 2015 PMID: 25741868, with internal and published modifications).